The following is an entry in ClinVar:

ClinVar aggregate classification (germline): Uncertain significance (1 of 4 stars; one submission).

Conditions:
Tumor predisposition syndrome 3 (TPDS3). Also called: Melanoma, cutaneous malignant, susceptibility to, 10; Glioma susceptibility 9; LONG TELOMERE SYNDROME, POT1-RELATED; POT1 Tumor Predisposition. Identifiers: Orphanet 618, MedGen C4014476, MONDO:0014368, OMIM 615848.

Submission:

Labcorp Genetics (formerly Invitae), Labcorp
Classification: Uncertain significance for Tumor predisposition syndrome 3. Last evaluated: 2025-05-08. Review status: criteria provided, single submitter. Criteria: Invitae Variant Classification Sherloc (09022015). Collection method: clinical testing. Allele origin: germline.
Comment: This sequence change replaces leucine, which is neutral and non-polar, with valine, which is neutral and non-polar, at codon 548 of the POT1 protein (p.Leu548Val). This variant is not present in population databases (gnomAD no frequency). This variant has not been reported in the literature in individuals affected with POT1-related conditions. ClinVar contains an entry for this variant (Variation ID: 1377336). Invitae Evidence Modeling of protein sequence and biophysical properties (such as structural, functional, and spatial information, amino acid conservation, physicochemical variation, residue mobility, and thermodynamic stability) indicates that this missense variant is not expected to disrupt POT1 protein function with a negative predictive value of 80%. Algorithms developed to predict the effect of sequence changes on RNA splicing suggest that this variant may disrupt the consensus splice site. In summary, the available evidence is currently insufficient to determine the role of this variant in disease. Therefore, it has been classified as a Variant of Uncertain Significance.

NM_015450.3(POT1):c.1642C>G (p.Leu548Val)

Gene: POT1 (protection of telomeres 1; minus strand). Cytogenetic location: 7q31.33.
Variant type: single nucleotide variant.
Coding change: c.1642C>G on transcript NM_015450.3 (MANE Select); coding-DNA position 1642, C replaced by G.
Protein change: p.Leu548Val; replaces leucine 548 with valine.
Molecular consequence: missense variant. On other transcripts: non-coding transcript variant (3).
Genome position (GRCh38, 1-based): chr7:124,827,258, G>C on the plus strand (C>G on the coding strand, the complement: POT1 is on the minus strand). VCF-style: chr7-124827258-G-C. GRCh37 (hg19) VCF-style: chr7-124467312-G-C.
Other names: c.1249C>G, p.Leu417Val (NM_001042594.2); short protein forms L417V, L548V.
Identifiers: ClinVar variation 1377336 (VCV001377336.6), dbSNP rs2116414910, ClinGen allele CA369063059.